The following is an entry in ClinVar:

ClinVar aggregate classification (germline): Uncertain significance (1 of 4 stars; one submission).

Conditions:
Lethal multiple pterygium syndrome (LMPS). Identifiers: Orphanet 33108, MedGen C1854678, MONDO:0009668, OMIM 253290.

gnomAD v4.1: 3 of 1,613,898 alleles (0.00019%); highest among the groups gnomAD compares: Non-Finnish European, 0.00025%; no homozygotes.

Submission:

Labcorp Genetics (formerly Invitae), Labcorp
Classification: Uncertain significance for Lethal multiple pterygium syndrome. Last evaluated: 2024-12-24. Review status: criteria provided, single submitter. Criteria: Invitae Variant Classification Sherloc (09022015). Collection method: clinical testing. Allele origin: germline.
Comment: This sequence change replaces methionine, which is neutral and non-polar, with valine, which is neutral and non-polar, at codon 263 of the CHRND protein (p.Met263Val). This variant is present in population databases (no rsID available, gnomAD 0.0009%). This variant has not been reported in the literature in individuals affected with CHRND-related conditions. Invitae Evidence Modeling of protein sequence and biophysical properties (such as structural, functional, and spatial information, amino acid conservation, physicochemical variation, residue mobility, and thermodynamic stability) indicates that this missense variant is not expected to disrupt CHRND protein function with a negative predictive value of 95%. In summary, the available evidence is currently insufficient to determine the role of this variant in disease. Therefore, it has been classified as a Variant of Uncertain Significance.

NM_000751.3(CHRND):c.787A>G (p.Met263Val)

Gene: CHRND (cholinergic receptor nicotinic delta subunit; plus strand). Cytogenetic location: 2q37.1.
Variant type: single nucleotide variant.
Coding change: c.787A>G on transcript NM_000751.3 (MANE Select); coding-DNA position 787, A replaced by G.
Protein change: p.Met263Val; replaces methionine 263 with valine.
Molecular consequence: missense variant. On other transcripts: intron variant (1).
Genome position (GRCh38, 1-based): chr2:232,530,106, A>G. VCF-style: chr2-232530106-A-G. GRCh37 (hg19) VCF-style: chr2-233394816-A-G.
Other names: c.742A>G, p.Met248Val (NM_001256657.2); c.484A>G, p.Met162Val (NM_001311196.2); c.239-1246A>G (NM_001311195.2); short protein forms M162V, M248V, M263V.
Identifiers: ClinVar variation 3718792 (VCV003718792.2).
Genomic context (GRCh38, chr2:232,530,106, plus strand): 5'-CGCCGCAAGCCCCTCTTCTACATCATCAACATCCTGGTGCCCTGCGTGCTCATCTCCTTC[A>G]TGGTCAACCTGGTCTTCTACCTACCGGCTGACAGTGAGCCTCCAGGCCCCGTCCCCTGCT-3'
Protein context (NP_000742.1, residues 253-273): ILVPCVLISF[Met263Val]VNLVFYLPAD